The following is an entry in ClinVar:

NM_006767.4(LZTR1):c.2248G>C (p.Gly750Arg)

Gene: LZTR1 (leucine zipper like post translational regulator 1; plus strand). Cytogenetic location: 22q11.21.
Variant type: single nucleotide variant.
Coding change: c.2248G>C on transcript NM_006767.4 (MANE Select); coding-DNA position 2248, G replaced by C.
Protein change: p.Gly750Arg; replaces glycine 750 with arginine.
Molecular consequence: missense variant.
Genome position (GRCh38, 1-based): chr22:20,996,724, G>C. VCF-style: chr22-20996724-G-C. GRCh37 (hg19) VCF-style: chr22-21351013-G-C.
Other names: short protein forms G750R.
Identifiers: ClinVar variation 3541508 (VCV003541508.2).

ClinVar aggregate classification (germline): Uncertain significance. Review status: criteria provided, multiple submitters, no conflicts (2 of 4 stars). 2 submissions from 2 submitters: Uncertain significance (2). Last evaluated 2025-09-20.

Conditions:
Hereditary cancer-predisposing syndrome. Also called: Hereditary Cancer Syndrome; Hereditary neoplastic syndrome; Tumor predisposition; Neoplastic Syndromes, Hereditary. Identifiers: Orphanet 140162, MedGen C0027672, MeSH D009386, MONDO:0015356.
Cardiovascular phenotype. Identifiers: MedGen CN230736.

Submissions (2):

Labcorp Genetics (formerly Invitae), Labcorp
Classification: Uncertain significance. Last evaluated: 2025-09-20. Review status: criteria provided, single submitter. Criteria: Invitae Variant Classification Sherloc (09022015). Collection method: clinical testing. Allele origin: germline.
Comment: This sequence change replaces glycine, which is neutral and non-polar, with arginine, which is basic and polar, at codon 750 of the LZTR1 protein (p.Gly750Arg). This variant is not present in population databases (gnomAD no frequency). This variant has not been reported in the literature in individuals affected with LZTR1-related conditions. ClinVar contains an entry for this variant (Variation ID: 3541508). Invitae Evidence Modeling of protein sequence and biophysical properties (such as structural, functional, and spatial information, amino acid conservation, physicochemical variation, residue mobility, and thermodynamic stability) indicates that this missense variant is not expected to disrupt LZTR1 protein function with a negative predictive value of 80%. In summary, the available evidence is currently insufficient to determine the role of this variant in disease. Therefore, it has been classified as a Variant of Uncertain Significance.

Ambry Genetics
Classification: Uncertain significance for Cardiovascular phenotype; Hereditary cancer-predisposing syndrome. Last evaluated: 2024-08-30. Review status: criteria provided, single submitter. Criteria: Ambry Variant Classification Scheme 2023. Collection method: clinical testing. Allele origin: germline.
Comment: The p.G750R variant (also known as c.2248G>C), located in coding exon 19 of the LZTR1 gene, results from a G to C substitution at nucleotide position 2248. The glycine at codon 750 is replaced by arginine, an amino acid with dissimilar properties. This amino acid position is conserved. In addition, this alteration is predicted to be deleterious by in silico analysis. Based on the available evidence, the clinical significance of this variant remains unclear.